The following is an entry in ClinVar:

ClinVar aggregate classification (germline): Pathogenic (1 of 4 stars; one submission).

Conditions:
Melnick-Fraser syndrome (BOR). Also called: Branchiootorenal syndrome; Branchiootorenal Syndrome (BORS); Branchio-oto-renal syndrome. Identifiers: Orphanet 107, MedGen C0265234, MONDO:0007029.

Submission:

Labcorp Genetics (formerly Invitae), Labcorp
Classification: Pathogenic for Melnick-Fraser syndrome. Last evaluated: 2019-12-19. Review status: criteria provided, single submitter. Criteria: Invitae Variant Classification Sherloc (09022015). Collection method: clinical testing. Allele origin: germline.
Comment: This sequence change affects an acceptor splice site in intron 16 of the EYA1 gene. It is expected to disrupt RNA splicing and likely results in an absent or disrupted protein product. This variant is not present in population databases (ExAC no frequency). Disruption of this splice site has been observed in individual(s) with clinical features of branchiootorenal spectrum disorders (PMID: 23840632, Invitae). Donor and acceptor splice site variants typically lead to a loss of protein function (PMID: 16199547), and loss-of-function variants in EYA1 are known to be pathogenic (PMID: 10464653, 18220287). For these reasons, this variant has been classified as Pathogenic.

Literature cited by the submitters: PubMed 23840632; PubMed 16199547; PubMed 10464653; PubMed 18220287.

NM_000503.6(EYA1):c.1598-2A>G

Gene: EYA1 (EYA transcriptional coactivator and phosphatase 1; minus strand). Cytogenetic location: 8q13.3.
Variant type: single nucleotide variant.
Coding change: c.1598-2A>G on transcript NM_000503.6 (MANE Select); the canonical splice acceptor site of the intron before coding-DNA position 1598, A replaced by G.
Molecular consequence: splice acceptor variant.
Genome position (GRCh38, 1-based): chr8:71,211,258, T>C on the plus strand (A>G on the coding strand, the complement: EYA1 is on the minus strand). VCF-style: chr8-71211258-T-C. GRCh37 (hg19) VCF-style: chr8-72123493-T-C.
Other names: c.1577-2A>G (NM_001370336.1); c.1685-2A>G (NM_001370333.1); c.1598-2A>G (NM_001370335.1, NM_001370334.1, NM_172058.4); c.1580-2A>G (NM_172059.5, NM_001288574.2); c.1499-2A>G (NM_001411797.1, NM_172060.4); c.1232-2A>G (NM_001288575.2).
Identifiers: ClinVar variation 837632 (VCV000837632.11), dbSNP rs1808471410, ClinGen allele CA371466036.